The following is an entry in ClinVar:

ClinVar aggregate classification (germline): Uncertain significance (0 of 4 stars; one submission).

Conditions:
TTN-related disorder. Also called: TTN-related condition; TTN-related disease; TTN-related disorders.

Submission:

PreventionGenetics, part of Exact Sciences
Classification: Uncertain significance for TTN-related condition. Last evaluated: 2024-01-12. Review status: no assertion criteria provided. Collection method: clinical testing. Allele origin: germline.
Comment: The TTN c.105472_105473delinsAA variant is predicted to result in an in-frame deletion and insertion. To our knowledge, this variant has not been reported in the literature or in a large population database, indicating this variant is rare. At this time, the clinical significance of this variant is uncertain due to the absence of conclusive functional and genetic evidence.

NM_001267550.2(TTN):c.105472_105473delinsAA (p.Pro35158Lys)

Genes: TTN (titin; minus strand), TTN-AS1 (TTN antisense RNA 1; plus strand). Cytogenetic location: 2q31.2.
Variant type: Indel.
Coding change: c.105472_105473delinsAA on transcript NM_001267550.2 (MANE Select); coding-DNA positions 105472 to 105473, CC replaced by AA.
Protein change: p.Pro35158Lys; replaces proline 35158 with lysine.
Molecular consequence: missense variant.
Genome position (GRCh38, 1-based): chr2:178,531,142-178,531,143, GG replaced by TT on the plus strand (CC replaced by AA on the coding strand, the reverse complement: TTN is on the minus strand). VCF-style: chr2-178531142-GG-TT. GRCh37 (hg19) VCF-style: chr2-179395869-GG-TT.
Other names: c.100549_100550delinsAA, p.Pro33517Lys (NM_001256850.1); c.78277_78278delinsAA, p.Pro26093Lys (NM_003319.4); c.97768_97769delinsAA, p.Pro32590Lys (NM_133378.4); c.78652_78653delinsAA, p.Pro26218Lys (NM_133432.3); c.78853_78854delinsAA, p.Pro26285Lys (NM_133437.4); short protein forms P26093K, P26218K, P26285K, P32590K, P33517K, P35158K.
Identifiers: ClinVar variation 3031883 (VCV003031883.2), dbSNP rs2468398639, ClinGen allele CA2740095952.